The following is an entry in ClinVar:

ClinVar aggregate classification (germline): Uncertain significance (1 of 4 stars; one submission).

Conditions:
Fanconi anemia (FA). Also called: Fanconi's anemia. Identifiers: Orphanet 84, MedGen C0015625, MeSH D005199, MONDO:0019391.

Submission:

Labcorp Genetics (formerly Invitae), Labcorp
Classification: Uncertain significance for Fanconi anemia. Last evaluated: 2025-02-20. Review status: criteria provided, single submitter. Criteria: Invitae Variant Classification Sherloc (09022015). Collection method: clinical testing. Allele origin: germline.
Comment: This sequence change falls in intron 9 of the SLX4 gene. It does not directly change the encoded amino acid sequence of the SLX4 protein. It affects a nucleotide within the consensus splice site. This variant is not present in population databases (gnomAD no frequency). This variant has not been reported in the literature in individuals affected with SLX4-related conditions. ClinVar contains an entry for this variant (Variation ID: 1432981). Variants that disrupt the consensus splice site are a relatively common cause of aberrant splicing (PMID: 17576681, 9536098). Algorithms developed to predict the effect of sequence changes on RNA splicing suggest that this variant is not likely to affect RNA splicing. In summary, the available evidence is currently insufficient to determine the role of this variant in disease. Therefore, it has been classified as a Variant of Uncertain Significance.

Literature cited by the submitters: PubMed 17576681; PubMed 9536098.

NM_032444.4(SLX4):c.2013+6A>C

Gene: SLX4 (SLX4 structure-specific endonuclease subunit; minus strand). Cytogenetic location: 16p13.3.
Variant type: single nucleotide variant.
Coding change: c.2013+6A>C on transcript NM_032444.4 (MANE Select); 6 bases into the intron after coding-DNA position 2013, A replaced by C.
Molecular consequence: intron variant.
Genome position (GRCh38, 1-based): chr16:3,595,599, T>G on the plus strand (A>C on the coding strand, the complement: SLX4 is on the minus strand). VCF-style: chr16-3595599-T-G. GRCh37 (hg19) VCF-style: chr16-3645600-T-G.
Identifiers: ClinVar variation 1432981 (VCV001432981.6), dbSNP rs2151129261, ClinGen allele CA2573152043.
Genomic context (GRCh38, chr16:3,595,599, plus strand): 5'-CCCCACCACACACATGGCAAGTGGGATGGCCGGGACCAGAGAGCGCGGGCCAGAGCCAGT[T>G]CTTACCAAGGTGCGGCCGCCCCTGTCCGGGTGCTTGTCCTGCGATGGCACCACAAACCCA-3'